The following is an entry in ClinVar:

NM_000141.5(FGFR2):c.544G>A (p.Gly182Arg)

Gene: FGFR2 (fibroblast growth factor receptor 2; minus strand). Cytogenetic location: 10q26.13.
Variant type: single nucleotide variant.
Coding change: c.544G>A on transcript NM_000141.5 (MANE Select); coding-DNA position 544, G replaced by A.
Protein change: p.Gly182Arg; replaces glycine 182 with arginine.
Molecular consequence: missense variant. On other transcripts: non-coding transcript variant (1).
Genome position (GRCh38, 1-based): chr10:121,551,370, C>T on the plus strand (G>A on the coding strand, the complement: FGFR2 is on the minus strand). VCF-style: chr10-121551370-C-T. GRCh37 (hg19) VCF-style: chr10-123310884-C-T.
Other names: c.544G>A, p.Gly182Arg (NM_001144913.1, NM_001144914.1, NM_001144917.2 and 2 more transcripts); c.277G>A, p.Gly93Arg (NM_001144915.2, NM_001144919.2, NM_023029.3); c.199G>A, p.Gly67Arg (NM_001144916.2, NM_001144918.2); short protein forms G182R, G67R, G93R.
Identifiers: ClinVar variation 1703932 (VCV001703932.2), dbSNP rs200766273, ClinGen allele CA5721105.

ClinVar aggregate classification (germline): Uncertain significance (1 of 4 stars; one submission).

gnomAD v4.1: 12 of 1,614,212 alleles (0.00074%); highest among the groups gnomAD compares: Non-Finnish European, 0.00093%; no homozygotes.

Submission:

GeneDx
Classification: Uncertain significance. Last evaluated: 2022-03-02. Review status: criteria provided, single submitter. Criteria: GeneDx Variant Classification Process June 2021. Collection method: clinical testing. Allele origin: germline. Affected: yes.
Comment: In silico analysis supports that this missense variant has a deleterious effect on protein structure/function; Has not been previously published as pathogenic or benign to our knowledge